The following is an entry in ClinVar:

NM_207361.6(FREM2):c.2308G>A (p.Val770Met)

Gene: FREM2 (FRAS1 related extracellular matrix 2; plus strand). Cytogenetic location: 13q13.3.
Variant type: single nucleotide variant.
Coding change: c.2308G>A on transcript NM_207361.6 (MANE Select); coding-DNA position 2308, G replaced by A.
Protein change: p.Val770Met; replaces valine 770 with methionine.
Molecular consequence: missense variant.
Genome position (GRCh38, 1-based): chr13:38,689,652, G>A. VCF-style: chr13-38689652-G-A. GRCh37 (hg19) VCF-style: chr13-39263789-G-A.
Other names: p.Val770Met; short protein forms V770M.
Identifiers: ClinVar variation 311957 (VCV000311957.17), dbSNP rs7327915, ClinGen allele CA6954589.

ClinVar aggregate classification (germline): Benign/Likely benign. Review status: criteria provided, multiple submitters, no conflicts (2 of 4 stars). 7 submissions from 7 submitters: Benign (4); Likely benign (1). 2 of the submissions do not count toward it. Last evaluated 2026-02-04.

Conditions:
Fraser syndrome 2 (FRASRS2). Identifiers: MedGen C4540036, MONDO:0054738, OMIM 617666.

Allele frequency attached by ClinVar (database versions not stated): ESP Exome Variant Server 0.04375; 1000 Genomes Project 0.04393; TOPMed 0.04437; 1000 Genomes Project 30x 0.04669.
gnomAD v4.1: 21,635 of 1,613,934 alleles (1.3%); highest among the groups gnomAD compares: African/African-American, 12%; 679 homozygotes.

Submissions (7):

Labcorp Genetics (formerly Invitae), Labcorp
Classification: Benign. Last evaluated: 2026-02-04. Review status: criteria provided, single submitter. Criteria: Invitae Variant Classification Sherloc (09022015). Collection method: clinical testing. Allele origin: germline.

Blueprint Genetics
Classification: Likely benign. Last evaluated: 2024-11-26. Review status: criteria provided, single submitter. Criteria: ACMG Guidelines, 2015. Collection method: clinical testing. Allele origin: germline.

Mayo Clinic Laboratories, Mayo Clinic
Classification: Benign. Last evaluated: 2023-04-03. Review status: criteria provided, single submitter. Criteria: ACMG Guidelines, 2015. Collection method: clinical testing. Allele origin: germline. Observed: 5 variant alleles.

Illumina Laboratory Services, Illumina
Classification: Benign for Fraser syndrome 2. Last evaluated: 2018-01-13. Review status: criteria provided, single submitter. Criteria: ICSL Variant Classification Criteria 13 December 2019. Collection method: clinical testing. Allele origin: germline.
Comment: This variant was observed in the ICSL laboratory as part of a predisposition screen in an ostensibly healthy population. It had not been previously curated by ICSL or reported in the Human Gene Mutation Database (HGMD: prior to June 1st, 2018), and was therefore a candidate for classification through an automated scoring system. Utilizing variant allele frequency, disease prevalence and penetrance estimates, and inheritance mode, an automated score was calculated to assess if this variant is too frequent to cause the disease. Based on the score and internal cut-off values, a variant classified as benign is not then subjected to further curation. The score for this variant resulted in a classification of benign for this disease.

Breakthrough Genomics
Classification: Benign. Review status: criteria provided, single submitter. Criteria: ACMG Guidelines, 2015. Collection method: not provided. Allele origin: germline. Inheritance: Autosomal recessive inheritance. Affected: yes.

Genome Diagnostics Laboratory, University Medical Center Utrecht
Classification: Benign. Review status: no assertion criteria provided. Collection method: clinical testing. Allele origin: germline. Affected: yes. Study: VKGL Data-share Consensus. Not counted in ClinVar's aggregate classification.

Laboratory of Diagnostic Genome Analysis, Leiden University Medical Center (LUMC)
Classification: Likely benign. Review status: no assertion criteria provided. Collection method: clinical testing. Allele origin: germline. Affected: yes. Study: VKGL Data-share Consensus. Not counted in ClinVar's aggregate classification.